The following is an entry in ClinVar:

ClinVar aggregate classification (germline): Benign (1 of 4 stars; one submission).

Conditions:
Thyroid hormone resistance, generalized, autosomal dominant (GRTHD). Also called: HYPERTHYROXINEMIA, FAMILIAL EUTHYROID, SECONDARY TO PITUITARY AND PERIPHERAL RESISTANCE TO THYROID HORMONES. Identifiers: MedGen C2937288, MONDO:0008569, OMIM 188570.

Allele frequency attached by ClinVar (database versions not stated): gnomAD 0.00336 and 0.00355; 1000 Genomes Project 30x 0.00344; 1000 Genomes Project 0.00359; TOPMed 0.00390.

Submission:

Illumina Laboratory Services, Illumina
Classification: Benign for Thyroid hormone resistance, generalized, autosomal dominant. Last evaluated: 2018-01-13. Review status: criteria provided, single submitter. Criteria: ICSL Variant Classification Criteria 13 December 2019. Collection method: clinical testing. Allele origin: germline.
Comment: This variant was observed in the ICSL laboratory as part of a predisposition screen in an ostensibly healthy population. It had not been previously curated by ICSL or reported in the Human Gene Mutation Database (HGMD: prior to June 1st, 2018), and was therefore a candidate for classification through an automated scoring system. Utilizing variant allele frequency, disease prevalence and penetrance estimates, and inheritance mode, an automated score was calculated to assess if this variant is too frequent to cause the disease. Based on the score and internal cut-off values, a variant classified as benign is not then subjected to further curation. The score for this variant resulted in a classification of benign for this disease.

NM_001354712.2(THRB):c.*1409T>C

Gene: THRB (thyroid hormone receptor beta; minus strand). Cytogenetic location: 3p24.2.
Variant type: single nucleotide variant.
Coding change: c.*1409T>C on transcript NM_001354712.2 (MANE Select); 1409 bases downstream of the stop codon, T replaced by C.
Molecular consequence: 3 prime UTR variant.
Genome position (GRCh38, 1-based): chr3:24,121,475, A>G on the plus strand (T>C on the coding strand, the complement: THRB is on the minus strand). VCF-style: chr3-24121475-A-G. GRCh37 (hg19) VCF-style: chr3-24162966-A-G.
Other names: c.*1409T>C (NM_000461.5, NM_001128176.3, NM_001128177.2 and 8 more transcripts).
Identifiers: ClinVar variation 344611 (VCV000344611.5), dbSNP rs148766881, ClinGen allele CA10616056.